The following is an entry in ClinVar:

ClinVar aggregate classification (germline): Conflicting classifications of pathogenicity. Review status: criteria provided, conflicting classifications (1 of 4 stars). 2 submissions from 2 submitters: Likely pathogenic (1); Uncertain significance (1). Last evaluated 2025-11-17.

Conditions:
Hereditary cancer-predisposing syndrome. Also called: Neoplastic Syndromes, Hereditary; Hereditary Cancer Syndrome; Tumor predisposition; Hereditary neoplastic syndrome. Identifiers: Orphanet 140162, MedGen C0027672, MeSH D009386, MONDO:0015356.
Fanconi anemia complementation group O. Also called: RAD51C-Related Fanconi Anemia. Identifiers: Orphanet 84, MedGen C3150653, MONDO:0013248, OMIM 613390.

Submissions (2):

Ambry Genetics
Classification: Uncertain significance for Hereditary cancer-predisposing syndrome. Last evaluated: 2025-11-17. Review status: criteria provided, single submitter. Criteria: Ambry Variant Classification Scheme 2023. Collection method: clinical testing. Allele origin: germline.
Comment: The c.904+2T>C intronic variant results from a T to C substitution two nucleotides after coding exon 6 in the RAD51C gene. This nucleotide position is highly conserved in available vertebrate species. In silico splice site analysis predicts that this alteration will weaken the native splice donor site and may result in the creation or strengthening of a novel splice donor site; however, direct evidence is insufficient at this time (Ambry internal data). In a homology-directed DNA repair (HDR) assay, this alteration showed a functionally abnormal read-out (Olvera-Le&oacute;n R et al. Cell 2024 Oct;187(20):5719-5734.e19.). Alterations that disrupt the canonical splice site are expected to cause aberrant splicing, resulting in an abnormal protein or a transcript that is subject to nonsense-mediated mRNA decay; however, +2T>C alterations are capable of generating wild-type transcripts in some genomic contexts and should be interpreted with caution (Lin JH et al. Hum Mutat. 2019 10;40:1856-1873). Based on the available evidence, the clinical significance of this alteration remains unclear.

Labcorp Genetics (formerly Invitae), Labcorp
Classification: Likely pathogenic for Fanconi anemia complementation group O. Last evaluated: 2023-01-14. Review status: criteria provided, single submitter. Criteria: Invitae Variant Classification Sherloc (09022015). Collection method: clinical testing. Allele origin: germline.
Comment: In summary, the currently available evidence indicates that the variant is pathogenic, but additional data are needed to prove that conclusively. Therefore, this variant has been classified as Likely Pathogenic. Algorithms developed to predict the effect of sequence changes on RNA splicing suggest that this variant may disrupt the consensus splice site. This variant is not present in population databases (gnomAD no frequency). This sequence change affects a donor splice site in intron 6 of the RAD51C gene. It is expected to disrupt RNA splicing. Variants that disrupt the donor or acceptor splice site typically lead to a loss of protein function (PMID: 16199547), and loss-of-function variants in RAD51C are known to be pathogenic (PMID: 20400964, 21990120, 24800917). ClinVar contains an entry for this variant (Variation ID: 1465136). This variant has not been reported in the literature in individuals affected with RAD51C-related conditions.

Literature cited by the submitters: PubMed 16199547 (cited by Labcorp Genetics (formerly Invitae), Labcorp); PubMed 20400964 (cited by Labcorp Genetics (formerly Invitae), Labcorp); PubMed 21990120 (cited by Labcorp Genetics (formerly Invitae), Labcorp); PubMed 24800917 (cited by Labcorp Genetics (formerly Invitae), Labcorp).

NM_058216.3(RAD51C):c.904+2T>C

Gene: RAD51C (RAD51 paralog C; plus strand). Cytogenetic location: 17q22.
Variant type: single nucleotide variant.
Coding change: c.904+2T>C on transcript NM_058216.3 (MANE Select); the canonical splice donor site of the intron after coding-DNA position 904, T replaced by C.
Molecular consequence: splice donor variant.
Genome position (GRCh38, 1-based): chr17:58,720,814, T>C. VCF-style: chr17-58720814-T-C. GRCh37 (hg19) VCF-style: chr17-56798175-T-C.
Other names: c.904+2T>C (NM_058216.1).
Identifiers: ClinVar variation 1465136 (VCV001465136.7), dbSNP rs2143932427, ClinGen allele CA400359861.